The following is an entry in ClinVar:

ClinVar aggregate classification (germline): Pathogenic. Review status: criteria provided, multiple submitters, no conflicts (2 of 4 stars). 2 submissions from 2 submitters: Pathogenic (2). Last evaluated 2026-06-16.

Submissions (2):

GeneDx
Classification: Pathogenic. Last evaluated: 2026-06-16. Review status: criteria provided, single submitter. Criteria: GeneDx Variant Classification Process June 2021. Collection method: clinical testing. Allele origin: germline.
Comment: Frameshift variant predicted to result in protein truncation or nonsense mediated decay in a gene for which loss of function is a known mechanism of disease; Not observed at significant frequency in large population cohorts (gnomAD); Has not been previously reported as pathogenic or benign in association with LAMA1-related disorders to our knowledge; This variant is associated with the following publications: (PMID: 31964843)

Labcorp Genetics (formerly Invitae), Labcorp
Classification: Pathogenic. Last evaluated: 2021-01-01. Review status: criteria provided, single submitter. Criteria: Invitae Variant Classification Sherloc (09022015). Collection method: clinical testing. Allele origin: germline.
Comment: This sequence change creates a premature translational stop signal (p.Glu1559Valfs*2) in the LAMA1 gene. It is expected to result in an absent or disrupted protein product. This variant is not present in population databases (ExAC no frequency). This variant has not been reported in the literature in individuals with LAMA1-related conditions. Loss-of-function variants in LAMA1 are known to be pathogenic (PMID: 25105227, 26932191). For these reasons, this variant has been classified as Pathogenic.

Literature cited by the submitters: PubMed 25105227 (cited by Labcorp Genetics (formerly Invitae), Labcorp); PubMed 26932191 (cited by Labcorp Genetics (formerly Invitae), Labcorp).

NM_005559.4(LAMA1):c.4676_4679del (p.Glu1559fs)

Gene: LAMA1 (laminin subunit alpha 1; minus strand). Cytogenetic location: 18p11.31.
Variant type: Deletion.
Coding change: c.4676_4679del on transcript NM_005559.4 (MANE Select); coding-DNA positions 4676 to 4679, 4 bases deleted (AGTG; older notation c.4676_4679delAGTG).
Protein change: p.Glu1559fs; shifts the reading frame from glutamic acid 1559.
Molecular consequence: frameshift variant.
Genome position (GRCh38, 1-based): chr18:6,997,869-6,997,872, CACT deleted on the plus strand (AGTG on the coding strand, the reverse complement: LAMA1 is on the minus strand); deleting any 4 consecutive bases within chr18:6,997,869-6,997,874 gives the same sequence; the c. name uses the placement nearest the transcript's 3' end. VCF-style (leftmost placement, unchanged base first): chr18-6997868-ACACT-A. GRCh37 (hg19) VCF-style: chr18-6997867-ACACT-A.
Other names: c.4676_4679del (NM_005559.3); short protein forms E1559fs.
Identifiers: ClinVar variation 1075979 (VCV001075979.9), dbSNP rs777848304, ClinGen allele CA295763765.